The following is an entry in ClinVar:

NM_002691.4(POLD1):c.1893-7A>G

Gene: POLD1 (DNA polymerase delta 1, catalytic subunit; plus strand). Cytogenetic location: 19q13.33.
Variant type: single nucleotide variant.
Coding change: c.1893-7A>G on transcript NM_002691.4 (MANE Select); 7 bases into the intron before coding-DNA position 1893, A replaced by G.
Molecular consequence: intron variant.
Genome position (GRCh38, 1-based): chr19:50,409,115, A>G. VCF-style: chr19-50409115-A-G. GRCh37 (hg19) VCF-style: chr19-50912372-A-G.
Other names: c.1971-7A>G (LRG_785t2, NM_001308632.1); c.1893-7A>G (LRG_785t1, NM_001256849.1).
Identifiers: ClinVar variation 414740 (VCV000414740.37), dbSNP rs200049500, ClinGen allele CA9596317.

ClinVar aggregate classification (germline): Benign/Likely benign. Review status: criteria provided, multiple submitters, no conflicts (2 of 4 stars). 3 submissions from 3 submitters: Benign (1); Likely benign (1). 1 of the submissions does not count toward it. Last evaluated 2026-01-28.

Conditions:
POLD1-related disorder. Also called: POLD1-related condition; POLD1-related disorders.
POLD1-related polyposis and colorectal cancer syndrome (CRCS10). Also called: COLORECTAL CANCER, SUSCEPTIBILITY TO, ON CHROMOSOME 19q; Colorectal cancer 10; Colorectal cancer, susceptibility to, 10. Identifiers: Orphanet 220460, MedGen C2675481, MONDO:0012953, OMIM 612591.

Allele frequency attached by ClinVar (database versions not stated): gnomAD 0.00005 and 0.00009; TOPMed 0.00005; 1000 Genomes Project 0.00120; 1000 Genomes Project 30x 0.00125.
gnomAD v4.1: 44 of 1,601,628 alleles (0.0027%); highest among the groups gnomAD compares: East Asian, 0.089%; no homozygotes.

Submissions (3):

Labcorp Genetics (formerly Invitae), Labcorp
Classification: Benign for POLD1-related polyposis and colorectal cancer syndrome. Last evaluated: 2026-01-28. Review status: criteria provided, single submitter. Criteria: Invitae Variant Classification Sherloc (09022015). Collection method: clinical testing. Allele origin: germline.

CeGaT Center for Human Genetics Tuebingen
Classification: Likely benign. Last evaluated: 2023-09-01. Review status: criteria provided, single submitter. Criteria: CeGaT Center For Human Genetics Tuebingen Variant Classification Criteria Version 2. Collection method: clinical testing. Allele origin: germline. Affected: yes. Observed: 1 variant allele.
Comment: POLD1: BP4, BP7

PreventionGenetics, part of Exact Sciences
Classification: Likely benign for POLD1-related condition. Last evaluated: 2021-02-02. Review status: no assertion criteria provided. Collection method: clinical testing. Allele origin: germline. Not counted in ClinVar's aggregate classification.
Comment: This variant is classified as likely benign based on ACMG/AMP sequence variant interpretation guidelines (Richards et al. 2015 PMID: 25741868, with internal and published modifications).